The following is an entry in ClinVar:

ClinVar aggregate classification (germline): Uncertain significance (1 of 4 stars; one submission).

Conditions:
UCP3-related disorder. Also called: UCP3-related condition.

Allele frequency attached by ClinVar (database versions not stated): TOPMed below 0.00001; gnomAD exomes 0.00001.
gnomAD v4.1: 13 of 1,614,114 alleles (0.00081%); highest among the groups gnomAD compares: Middle Eastern, 0.033%; no homozygotes.

Submission:

PreventionGenetics, part of Exact Sciences
Classification: Uncertain significance for UCP3-related condition. Last evaluated: 2025-01-16. Review status: criteria provided, single submitter. Criteria: ACMG Guidelines, 2015. Collection method: clinical testing. Allele origin: germline.
Comment: The UCP3 c.911T>G variant is predicted to result in the amino acid substitution p.Val304Gly. To our knowledge, this variant has not been reported in the literature or in a large population database, indicating that it is rare. At this time, the clinical significance of this variant is uncertain due to the absence of conclusive functional and genetic evidence.

NM_003356.4(UCP3):c.911T>G (p.Val304Gly)

Gene: UCP3 (uncoupling protein 3; minus strand). Cytogenetic location: 11q13.4.
Variant type: single nucleotide variant.
Coding change: c.911T>G on transcript NM_003356.4 (MANE Select); coding-DNA position 911, T replaced by G.
Protein change: p.Val304Gly; replaces valine 304 with glycine.
Molecular consequence: missense variant.
Genome position (GRCh38, 1-based): chr11:74,001,440, A>C on the plus strand (T>G on the coding strand, the complement: UCP3 is on the minus strand). VCF-style: chr11-74001440-A-C. GRCh37 (hg19) VCF-style: chr11-73712485-A-C.
Other names: short protein forms V304G.
Identifiers: ClinVar variation 2634796 (VCV002634796.2), dbSNP rs1375244010, ClinGen allele CA381813033.